The following is an entry in ClinVar:

NM_002458.3(MUC5B):c.13326C>T (p.Ser4442=)

Gene: MUC5B (mucin 5B, oligomeric mucus/gel-forming; plus strand). Cytogenetic location: 11p15.5.
Variant type: single nucleotide variant.
Coding change: c.13326C>T on transcript NM_002458.3 (MANE Select); coding-DNA position 13326, C replaced by T.
Protein change: p.Ser4442=; no amino-acid change (serine 4442 retained).
Molecular consequence: synonymous variant.
Genome position (GRCh38, 1-based): chr11:1,250,206, C>T. VCF-style: chr11-1250206-C-T. GRCh37 (hg19) VCF-style: chr11-1271436-C-T.
Identifiers: ClinVar variation 2641294 (VCV002641294.24), dbSNP rs200644017, ClinGen allele CA5808289.

ClinVar aggregate classification (germline): Likely benign (1 of 4 stars; one submission).

Allele frequency attached by ClinVar (database versions not stated): gnomAD 0.00039; ExAC 0.02268.

Submission:

CeGaT Center for Human Genetics Tuebingen
Classification: Likely benign. Last evaluated: 2026-01-01. Review status: criteria provided, single submitter. Criteria: CeGaT Center For Human Genetics Tuebingen Variant Classification Criteria Version 2. Collection method: clinical testing. Allele origin: germline. Affected: yes. Observed: 6 variant alleles.
Comment: MUC5B: BP4, BP7